The following is an entry in ClinVar:

ClinVar aggregate classification (germline): Uncertain significance (1 of 4 stars; one submission).

Conditions:
PRKAR1B-related disorder. Also called: PRKAR1B-related condition.

Submission:

PreventionGenetics, part of Exact Sciences
Classification: Uncertain significance for PRKAR1B-related condition. Last evaluated: 2026-02-05. Review status: criteria provided, single submitter. Criteria: ACMG Guidelines, 2015. Collection method: clinical testing. Allele origin: germline.
Comment: The PRKAR1B c.1060_1083del24 variant is predicted to result in an in-frame deletion (p.Arg354_Pro361del). To our knowledge, this variant has not been reported in the literature or in a large population database (gnomAD), indicating this variant is rare. At this time, the clinical significance of this variant is uncertain due to the absence of conclusive functional and genetic evidence.

NM_001164760.2(PRKAR1B):c.1060_1083del (p.Arg354_Pro361del)

Gene: PRKAR1B (protein kinase cAMP-dependent type I regulatory subunit beta; minus strand). Cytogenetic location: 7p22.3.
Variant type: Deletion.
Coding change: c.1060_1083del on transcript NM_001164760.2 (MANE Select); coding-DNA positions 1060 to 1083, 24 bases deleted (CGCTTCGAGCGTGTGCTGGGGCCC).
Protein change: p.Arg354_Pro361del.
Molecular consequence: inframe deletion.
Genome position (GRCh38, 1-based): chr7:550,493-550,516, GGGCCCCAGCACACGCTCGAAGCG deleted on the plus strand (CGCTTCGAGCGTGTGCTGGGGCCC on the coding strand, the reverse complement: PRKAR1B is on the minus strand); deleting any 24 consecutive bases within chr7:550,493-550,521 gives the same sequence; the c. name uses the placement nearest the transcript's 3' end. VCF-style (leftmost placement, unchanged base first): chr7-550492-AGGGCCCCAGCACACGCTCGAAGCG-A. GRCh37 (hg19) VCF-style: chr7-590129-AGGGCCCCAGCACACGCTCGAAGCG-A.
Other names: c.1060_1083del, p.Arg354_Pro361del (NM_001164758.2, NM_001164759.1, NM_001164761.2 and 2 more transcripts).
Identifiers: ClinVar variation 4995105 (VCV004995105.1).